The following is an entry in ClinVar:

NC_012920.1(MT-CYB):m.15383T>C

Gene: MT-CYB (mitochondrially encoded cytochrome b; plus strand).
Variant type: single nucleotide variant.
Genome position: chrM-15383-T-C.
Identifiers: ClinVar variation 693875 (VCV000693875.1), dbSNP rs1603225252, ClinGen allele CA913173718.
Genomic context (GRCh38, chrMT:15,383, plus strand): 5'-GCAACACTCCACCTCCTATTCTTGCACGAAACGGGATCAAACAACCCCCTAGGAATCACC[T>C]CCCATTCCGATAAAATCACCTTCCACCCTTACTACACAATCAAAGACGCCCTCGGCTTAC-3'

ClinVar aggregate classification (germline): Benign (1 of 4 stars; one submission).

Conditions:
Leigh syndrome (NULS). Also called: Leigh's necrotizing encephalopathy; Leigh's disease; Leigh's syndrome; LEIGH SYNDROME, NUCLEAR; Leigh Syndrome (mtDNA deletion); Leigh Disease. Identifiers: Orphanet 506, MedGen C2931891, MONDO:0009723, OMIM 256000.

Submission:

Wong Mito Lab, Molecular and Human Genetics, Baylor College of Medicine
Classification: Benign for Leigh syndrome. Last evaluated: 2019-10-17. Review status: criteria provided, single submitter. Criteria: Modified ACMG Guidelines (Unpublished). Collection method: clinical testing. Allele origin: germline.
Comment: The NC_012920.1:m.15383T>C (YP_003024038.1:p.Ser213Pro) variant in MTCYB gene is interpretated to be a Benign variant based on the modified ACMG guidelines (unpublished). This variant meets the following evidence codes: BS1, BS4